The following is an entry in ClinVar:

NM_032608.7(MYO18B):c.1441C>T (p.Arg481Trp)

Gene: MYO18B (myosin XVIIIB; plus strand). Cytogenetic location: 22q12.1.
Variant type: single nucleotide variant.
Coding change: c.1441C>T on transcript NM_032608.7 (MANE Select); coding-DNA position 1441, C replaced by T.
Protein change: p.Arg481Trp; replaces arginine 481 with tryptophan.
Molecular consequence: missense variant.
Genome position (GRCh38, 1-based): chr22:25,769,357, C>T. VCF-style: chr22-25769357-C-T. GRCh37 (hg19) VCF-style: chr22-26165324-C-T.
Other names: c.1441C>T, p.Arg481Trp (NM_001318245.2); short protein forms R481W.
Identifiers: ClinVar variation 1444288 (VCV001444288.7), dbSNP rs762342948, ClinGen allele CA10159821.

ClinVar aggregate classification (germline): Uncertain significance (1 of 4 stars; one submission).

Allele frequency attached by ClinVar (database versions not stated): gnomAD 0.00002 and 0.00003; gnomAD exomes 0.00003; TOPMed 0.00006; ExAC 0.00007; 1000 Genomes Project 30x 0.00047.
gnomAD v4.1: 41 of 1,576,064 alleles (0.0026%); highest among the groups gnomAD compares: African/African-American, 0.0094%; no homozygotes.

Submission:

Labcorp Genetics (formerly Invitae), Labcorp
Classification: Uncertain significance. Last evaluated: 2024-12-24. Review status: criteria provided, single submitter. Criteria: Invitae Variant Classification Sherloc (09022015). Collection method: clinical testing. Allele origin: germline.
Comment: This sequence change replaces arginine, which is basic and polar, with tryptophan, which is neutral and slightly polar, at codon 481 of the MYO18B protein (p.Arg481Trp). The frequency data for this variant in the population databases is considered unreliable, as metrics indicate poor data quality at this position in the gnomAD database. This variant has not been reported in the literature in individuals affected with MYO18B-related conditions. ClinVar contains an entry for this variant (Variation ID: 1444288). An algorithm developed to predict the effect of missense changes on protein structure and function (PolyPhen-2) suggests that this variant is likely to be tolerated. In summary, the available evidence is currently insufficient to determine the role of this variant in disease. Therefore, it has been classified as a Variant of Uncertain Significance.